The following is an entry in ClinVar:

NM_006618.5(KDM5B):c.576+78C>A

Gene: KDM5B (lysine demethylase 5B; minus strand). Cytogenetic location: 1q32.1.
Variant type: single nucleotide variant.
Coding change: c.576+78C>A on transcript NM_006618.5 (MANE Select); 78 bases into the intron after coding-DNA position 576, C replaced by A.
Molecular consequence: intron variant.
Genome position (GRCh38, 1-based): chr1:202,773,040, G>T on the plus strand (C>A on the coding strand, the complement: KDM5B is on the minus strand). VCF-style: chr1-202773040-G-T. GRCh37 (hg19) VCF-style: chr1-202742168-G-T.
Other names: c.561+78C>A (NM_001399817.1); c.576+78C>A (NM_001347591.2, NM_001314042.2).
Identifiers: ClinVar variation 3026051 (VCV003026051.22), dbSNP rs999802617, ClinGen allele CA35555981.

ClinVar aggregate classification (germline): Uncertain significance (1 of 4 stars; one submission).

gnomAD v4.1: 19 of 1,087,836 alleles (0.0017%); highest among the groups gnomAD compares: Middle Eastern, 0.064%; no homozygotes.

Submission:

CeGaT Center for Human Genetics Tuebingen
Classification: Uncertain significance. Last evaluated: 2023-12-01. Review status: criteria provided, single submitter. Criteria: CeGaT Center For Human Genetics Tuebingen Variant Classification Criteria Version 2. Collection method: clinical testing. Allele origin: germline. Affected: yes. Observed: 1 variant allele.
Comment: KDM5B: PM2